The following is an entry in ClinVar:

NM_018979.4(WNK1):c.3112-10C>T

Gene: WNK1 (WNK lysine deficient protein kinase 1; plus strand). Cytogenetic location: 12p13.33.
Variant type: single nucleotide variant.
Coding change: c.3112-10C>T on transcript NM_018979.4 (MANE Select); 10 bases into the intron before coding-DNA position 3112, C replaced by T.
Molecular consequence: intron variant.
Genome position (GRCh38, 1-based): chr12:881,682, C>T. VCF-style: chr12-881682-C-T. GRCh37 (hg19) VCF-style: chr12-990848-C-T.
Other names: p.?; c.3868-10C>T (NM_213655.5); c.3892-10C>T (NM_001184985.2); c.2371-10C>T (NM_014823.3).
Identifiers: ClinVar variation 310814 (VCV000310814.68), dbSNP rs72650715, ClinGen allele CA6382670.

ClinVar aggregate classification (germline): Benign/Likely benign. Review status: criteria provided, multiple submitters, no conflicts (2 of 4 stars). 9 submissions from 9 submitters: Benign (1); Likely benign (6). 2 of the submissions do not count toward it. Last evaluated 2026-02-03.

Conditions:
Pseudohypoaldosteronism type 2C (PHA2C). Also called: Pseudohypoaldosteronism Type IIC. Identifiers: Orphanet 757, Orphanet 88940, MedGen C1840391, MONDO:0013778, OMIM 614492.
Neuropathy, hereditary sensory and autonomic, type 2A (HSAN2A). Also called: MORVAN DISEASE; NEUROPATHY, CONGENITAL SENSORY; NEUROPATHY, HEREDITARY SENSORY RADICULAR, AUTOSOMAL RECESSIVE; NEUROPATHY, HEREDITARY SENSORY, TYPE IIA; NEUROPATHY, PROGRESSIVE SENSORY, OF CHILDREN; ACROOSTEOLYSIS, GIACCAI TYPE. Identifiers: Orphanet 970, MedGen C2752089, MONDO:0024309, OMIM 201300.

Allele frequency attached by ClinVar (database versions not stated): 1000 Genomes Project 30x 0.00016; 1000 Genomes Project 0.00020; gnomAD exomes 0.00096; gnomAD 0.00097 and 0.00103; ExAC 0.00104; TOPMed 0.00107; ESP Exome Variant Server 0.00146.
gnomAD v4.1: 2,852 of 1,604,968 alleles (0.18%); highest among the groups gnomAD compares: Non-Finnish European, 0.22%; 4 homozygotes.

Submissions (9):

Labcorp Genetics (formerly Invitae), Labcorp
Classification: Likely benign for Neuropathy, hereditary sensory and autonomic, type 2A; Pseudohypoaldosteronism type 2C. Last evaluated: 2026-02-03. Review status: criteria provided, single submitter. Criteria: Invitae Variant Classification Sherloc (09022015). Collection method: clinical testing. Allele origin: germline.

Women's Health and Genetics/Laboratory Corporation of America, LabCorp
Classification: Likely benign. Last evaluated: 2025-07-07. Review status: criteria provided, single submitter. Criteria: LabCorp Variant Classification Summary - May 2015. Collection method: clinical testing. Allele origin: germline.

Mayo Clinic Laboratories, Mayo Clinic
Classification: Likely benign. Last evaluated: 2025-02-07. Review status: criteria provided, single submitter. Criteria: ACMG Guidelines, 2015. Collection method: clinical testing. Allele origin: germline. Observed: 8 variant alleles.
Comment: BS1, BP4, BP7

Blueprint Genetics
Classification: Likely benign. Last evaluated: 2024-11-15. Review status: criteria provided, single submitter. Criteria: ACMG Guidelines, 2015. Collection method: clinical testing. Allele origin: germline.

ARUP Laboratories, Molecular Genetics and Genomics, ARUP Laboratories
Classification: Likely benign. Last evaluated: 2023-12-08. Review status: criteria provided, single submitter. Criteria: ARUP Molecular Germline Variant Investigation Process 2024. Collection method: clinical testing. Allele origin: germline.

Illumina Laboratory Services, Illumina
Classification: Benign for Pseudohypoaldosteronism type 2C. Last evaluated: 2018-01-13. Review status: criteria provided, single submitter. Criteria: ICSL Variant Classification Criteria 13 December 2019. Collection method: clinical testing. Allele origin: germline.
Comment: This variant was observed in the ICSL laboratory as part of a predisposition screen in an ostensibly healthy population. It had not been previously curated by ICSL or reported in the Human Gene Mutation Database (HGMD: prior to June 1st, 2018), and was therefore a candidate for classification through an automated scoring system. Utilizing variant allele frequency, disease prevalence and penetrance estimates, and inheritance mode, an automated score was calculated to assess if this variant is too frequent to cause the disease. Based on the score and internal cut-off values, a variant classified as benign is not then subjected to further curation. The score for this variant resulted in a classification of benign for this disease.

Breakthrough Genomics
Classification: Likely benign. Review status: criteria provided, single submitter. Criteria: ACMG Guidelines, 2015. Collection method: not provided. Allele origin: germline. Inheritance: Autosomal recessive inheritance. Affected: yes.

Clinical Genetics DNA and cytogenetics Diagnostics Lab, Erasmus MC, Erasmus Medical Center
Classification: Likely benign. Review status: no assertion criteria provided. Collection method: clinical testing. Allele origin: germline. Affected: yes. Study: VKGL Data-share Consensus. Not counted in ClinVar's aggregate classification.

Genome Diagnostics Laboratory, University Medical Center Utrecht
Classification: Likely benign. Review status: no assertion criteria provided. Collection method: clinical testing. Allele origin: germline. Affected: yes. Study: VKGL Data-share Consensus. Not counted in ClinVar's aggregate classification.